The following is an entry in ClinVar:

ClinVar aggregate classification (germline): Uncertain significance (1 of 4 stars; one submission).

Conditions:
Candidiasis, familial, 6 (CANDF6). Also called: Candidiasis, familial, 6, autosomal dominant. Identifiers: Orphanet 1334, MedGen C3151405, MONDO:0013503, OMIM 613956.

gnomAD v4.1: 1 of 1,614,024 alleles (0.000062%); highest among the groups gnomAD compares: Non-Finnish European, 0.000085%; no homozygotes.

Submission:

Labcorp Genetics (formerly Invitae), Labcorp
Classification: Uncertain significance for Candidiasis, familial, 6. Last evaluated: 2025-04-08. Review status: criteria provided, single submitter. Criteria: Invitae Variant Classification Sherloc (09022015). Collection method: clinical testing. Allele origin: germline.
Comment: This sequence change replaces phenylalanine, which is neutral and non-polar, with cysteine, which is neutral and slightly polar, at codon 41 of the IL17F protein (p.Phe41Cys). This variant is not present in population databases (gnomAD no frequency). This variant has not been reported in the literature in individuals affected with IL17F-related conditions. An algorithm developed to predict the effect of missense changes on protein structure and function (PolyPhen-2) suggests that this variant is likely to be disruptive. In summary, the available evidence is currently insufficient to determine the role of this variant in disease. Therefore, it has been classified as a Variant of Uncertain Significance.

NM_052872.4(IL17F):c.122T>G (p.Phe41Cys)

Gene: IL17F (interleukin 17F; minus strand). Cytogenetic location: 6p12.2.
Variant type: single nucleotide variant.
Coding change: c.122T>G on transcript NM_052872.4 (MANE Select); coding-DNA position 122, T replaced by G.
Protein change: p.Phe41Cys; replaces phenylalanine 41 with cysteine.
Molecular consequence: missense variant.
Genome position (GRCh38, 1-based): chr6:52,238,862, A>C on the plus strand (T>G on the coding strand, the complement: IL17F is on the minus strand). VCF-style: chr6-52238862-A-C. GRCh37 (hg19) VCF-style: chr6-52103660-A-C.
Other names: short protein forms F41C.
Identifiers: ClinVar variation 4763932 (VCV004763932.1).